The following is an entry in ClinVar:

NM_024649.5(BBS1):c.1535G>T (p.Arg512Leu)

Genes: BBS1 (Bardet-Biedl syndrome 1; plus strand), ZDHHC24 (zDHHC palmitoyltransferase 24; minus strand). Cytogenetic location: 11q13.2.
Variant type: single nucleotide variant.
Coding change: c.1535G>T on transcript NM_024649.5 (MANE Select); coding-DNA position 1535, G replaced by T.
Protein change: p.Arg512Leu; replaces arginine 512 with leucine.
Molecular consequence: missense variant. On other transcripts: intron variant (1).
Genome position (GRCh38, 1-based): chr11:66,530,955, G>T. VCF-style: chr11-66530955-G-T. GRCh37 (hg19) VCF-style: chr11-66298426-G-T.
Other names: c.560-1467C>A (NM_001348571.2); short protein forms R512L.
Identifiers: ClinVar variation 2155673 (VCV002155673.2), dbSNP rs202205304, ClinGen allele CA381425291.

ClinVar aggregate classification (germline): Uncertain significance. Review status: criteria provided, multiple submitters, no conflicts (2 of 4 stars). 2 submissions from 2 submitters: Uncertain significance (2). Last evaluated 2022-06-22.

Conditions:
Bardet-Biedl syndrome (BBS). Identifiers: Orphanet 110, MedGen C0752166, MONDO:0015229.

gnomAD v4.1: 4 of 1,614,072 alleles (0.00025%); highest among the groups gnomAD compares: Admixed American, 0.005%; no homozygotes.

Submissions (2):

Labcorp Genetics (formerly Invitae), Labcorp
Classification: Uncertain significance for Bardet-Biedl syndrome. Last evaluated: 2022-06-22. Review status: criteria provided, single submitter. Criteria: Invitae Variant Classification Sherloc (09022015). Collection method: clinical testing. Allele origin: germline.
Comment: This sequence change replaces arginine, which is basic and polar, with leucine, which is neutral and non-polar, at codon 512 of the BBS1 protein (p.Arg512Leu). This variant is present in population databases (no rsID available, gnomAD 0.006%). This variant has not been reported in the literature in individuals affected with BBS1-related conditions. Algorithms developed to predict the effect of missense changes on protein structure and function are either unavailable or do not agree on the potential impact of this missense change (SIFT: "Deleterious"; PolyPhen-2: "Benign"; Align-GVGD: "Class C25"). In summary, the available evidence is currently insufficient to determine the role of this variant in disease. Therefore, it has been classified as a Variant of Uncertain Significance.

Blueprint Genetics
Classification: Uncertain significance. Last evaluated: 2021-07-23. Review status: criteria provided, single submitter. Criteria: ACMG Guidelines, 2015. Collection method: clinical testing. Allele origin: germline.